The following is an entry in ClinVar:

ClinVar aggregate classification (germline): Benign/Likely benign. Review status: criteria provided, multiple submitters, no conflicts (2 of 4 stars). 10 submissions from 10 submitters: Benign (5); Likely benign (3). 2 of the submissions do not count toward it. Last evaluated 2026-01-28.

Conditions:
Werner syndrome (WRN). Identifiers: Orphanet 902, MedGen C0043119, MONDO:0010196, OMIM 277700.

Allele frequency attached by ClinVar (database versions not stated): gnomAD 0.00089 and 0.00097; 1000 Genomes Project 0.00180; ExAC 0.00208; gnomAD exomes 0.00283; TOPMed 0.00171; 1000 Genomes Project 30x 0.00187.

Submissions (10):

Labcorp Genetics (formerly Invitae), Labcorp
Classification: Benign for Werner syndrome. Last evaluated: 2026-01-28. Review status: criteria provided, single submitter. Criteria: Invitae Variant Classification Sherloc (09022015). Collection method: clinical testing. Allele origin: germline.

Dasa
Classification: Benign. Last evaluated: 2025-12-26. Review status: criteria provided, single submitter. Criteria: DASA Assertion Criteria. Collection method: clinical testing. Allele origin: germline.
Comment: NM_000553.6(WRN):c.2500C>T (p.Arg834Cys) is interpreted as benign based on a combination of available evidence, including population frequency, and the mechanism of disease or impacted region being inconsistent with a known cause of pathogenicity. Based on the available data, this variant is classified as benign.

Mayo Clinic Laboratories, Mayo Clinic
Classification: Benign. Last evaluated: 2025-07-10. Review status: criteria provided, single submitter. Criteria: ACMG Guidelines, 2015. Collection method: clinical testing. Allele origin: germline. Observed: 2 variant alleles.
Comment: BS1, BS2

Women's Health and Genetics/Laboratory Corporation of America, LabCorp
Classification: Likely benign. Last evaluated: 2022-03-18. Review status: criteria provided, single submitter. Criteria: LabCorp Variant Classification Summary - May 2015. Collection method: clinical testing. Allele origin: germline.

Genome-Nilou Lab
Classification: Benign for Werner syndrome. Last evaluated: 2021-12-05. Review status: criteria provided, single submitter. Criteria: ACMG Guidelines, 2015. Collection method: clinical testing. Allele origin: germline. Affected: no.

Illumina Laboratory Services, Illumina
Classification: Likely benign for Werner syndrome. Last evaluated: 2017-04-28. Review status: criteria provided, single submitter. Criteria: ICSL Variant Classification Criteria 13 December 2019. Collection method: clinical testing. Allele origin: germline.
Comment: This variant was observed as part of a predisposition screen in an ostensibly healthy population. A literature search was performed for the gene, cDNA change, and amino acid change (where applicable). Publications were found based on this search. The evidence from the literature, in combination with allele frequency data from public databases where available, was sufficient to determine this variant is unlikely to cause disease. Therefore, this variant is classified as likely benign.

Eurofins Ntd Llc (ga)
Classification: Benign. Last evaluated: 2015-01-28. Review status: criteria provided, single submitter. Criteria: EGL Classification Definitions 2015. Collection method: clinical testing. Allele origin: germline. Observed: 2 variant alleles, 2 heterozygotes.

Breakthrough Genomics
Classification: Likely benign. Review status: criteria provided, single submitter. Criteria: ACMG Guidelines, 2015. Collection method: not provided. Allele origin: germline. Inheritance: Autosomal recessive inheritance. Affected: yes.

ITMI
No classification provided. Condition: AllHighlyPenetrant. Last evaluated: 2013-09-19. Review status: no classification provided. Collection method: reference population. Allele origin: germline. Not counted in ClinVar's aggregate classification.
Comment: Please see associated publication for description of ethnicities

GeneReviews
No classification provided. Condition: Werner syndrome. Review status: no classification provided. Collection method: literature only. Allele origin: germline. Not counted in ClinVar's aggregate classification.
Comment: Variant common in Latino population (heterozygote frequency of 0.02); significantly reduces helicase & exonuclease activity in vitro. Homozygotes do not exhibit a Werner syndrome phenotype

Literature cited by the submitters: PubMed 15489508 (cited by Illumina Laboratory Services, Illumina); PubMed 20157511 (cited by Illumina Laboratory Services, Illumina); PubMed 20855428 (cited by Illumina Laboratory Services, Illumina); PubMed 24728327 (cited by Illumina Laboratory Services, Illumina and ITMI); PubMed 28276523 (cited by GeneReviews); PubMed 20301687 (cited by GeneReviews).

NM_000553.6(WRN):c.2500C>T (p.Arg834Cys)

Gene: WRN (WRN RecQ like helicase; plus strand). Cytogenetic location: 8p12.
Variant type: single nucleotide variant.
Coding change: c.2500C>T on transcript NM_000553.6 (MANE Select); coding-DNA position 2500, C replaced by T.
Protein change: p.Arg834Cys; replaces arginine 834 with cysteine.
Molecular consequence: missense variant.
Genome position (GRCh38, 1-based): chr8:31,120,294, C>T. VCF-style: chr8-31120294-C-T. GRCh37 (hg19) VCF-style: chr8-30977810-C-T.
Other names: short protein forms R834C.
Identifiers: ClinVar variation 38888 (VCV000038888.24), dbSNP rs3087425, ClinGen allele CA162719.